The following is an entry in ClinVar:

ClinVar aggregate classification (germline): Uncertain significance (1 of 4 stars; one submission).

Submission:

GeneDx
Classification: Uncertain significance. Last evaluated: 2024-11-26. Review status: criteria provided, single submitter. Criteria: GeneDx Variant Classification Process June 2021. Collection method: clinical testing. Allele origin: germline. Affected: yes.
Comment: Not observed at significant frequency in large population cohorts (gnomAD); In silico analysis indicates that this missense variant does not alter protein structure/function; Has not been previously published as pathogenic or benign to our knowledge

NM_020937.4(FANCM):c.841T>G (p.Ser281Ala)

Gene: FANCM (FA complementation group M; plus strand). Cytogenetic location: 14q21.2.
Variant type: single nucleotide variant.
Coding change: c.841T>G on transcript NM_020937.4 (MANE Select); coding-DNA position 841, T replaced by G.
Protein change: p.Ser281Ala; replaces serine 281 with alanine.
Molecular consequence: missense variant.
Genome position (GRCh38, 1-based): chr14:45,148,918, T>G. VCF-style: chr14-45148918-T-G. GRCh37 (hg19) VCF-style: chr14-45618121-T-G.
Other names: c.763T>G, p.Ser255Ala (NM_001308133.2); c.841T>G, p.Ser281Ala (NM_001308134.2); short protein forms S255A, S281A.
Identifiers: ClinVar variation 3901600 (VCV003901600.1).
Genomic context (GRCh38, chr14:45,148,918, plus strand): 5'-AACCTGCTAATTGGGCAGATAGAGCTTCGTTCTGAAGATTCTCCAGATATTTTGACATAT[T>G]CTCATGAAAGAAAAGTTGAAAAGCTTATTGTTCCGCTTGGTGAAGAACTTGCAGCCATCC-3'
Protein context (NP_065988.1, residues 271-291): SEDSPDILTY[Ser281Ala]HERKVEKLIV